The following is an entry in ClinVar:

ClinVar aggregate classification (germline): Uncertain significance (1 of 4 stars; one submission).

Submission:

Labcorp Genetics (formerly Invitae), Labcorp
Classification: Uncertain significance. Last evaluated: 2023-11-18. Review status: criteria provided, single submitter. Criteria: Invitae Variant Classification Sherloc (09022015). Collection method: clinical testing. Allele origin: germline.
Comment: This sequence change replaces glutamic acid, which is acidic and polar, with lysine, which is basic and polar, at codon 248 of the SEMA4A protein (p.Glu248Lys). This variant is not present in population databases (gnomAD no frequency). This variant has not been reported in the literature in individuals affected with SEMA4A-related conditions. Advanced modeling of protein sequence and biophysical properties (such as structural, functional, and spatial information, amino acid conservation, physicochemical variation, residue mobility, and thermodynamic stability) performed at Invitae indicates that this missense variant is not expected to disrupt SEMA4A protein function with a negative predictive value of 80%. In summary, the available evidence is currently insufficient to determine the role of this variant in disease. Therefore, it has been classified as a Variant of Uncertain Significance.

NM_022367.4(SEMA4A):c.742G>A (p.Glu248Lys)

Gene: SEMA4A (semaphorin 4A; plus strand). Cytogenetic location: 1q22.
Variant type: single nucleotide variant.
Coding change: c.742G>A on transcript NM_022367.4 (MANE Select); coding-DNA position 742, G replaced by A.
Protein change: p.Glu248Lys; replaces glutamic acid 248 with lysine.
Molecular consequence: missense variant.
Genome position (GRCh38, 1-based): chr1:156,160,961, G>A. VCF-style: chr1-156160961-G-A. GRCh37 (hg19) VCF-style: chr1-156130752-G-A.
Other names: c.742G>A, p.Glu248Lys (NM_001193300.2, NM_001193301.2, NM_001370567.1); c.346G>A, p.Glu116Lys (NM_001193302.2); c.445G>A, p.Glu149Lys (NM_001370568.1); c.235G>A, p.Glu79Lys (NM_001370569.1, NM_001370571.1); short protein forms E149K, E248K, E116K, E79K.
Identifiers: ClinVar variation 2784855 (VCV002784855.3), dbSNP rs752142020, ClinGen allele CA342838487.